The following is an entry in ClinVar:

NM_024757.5(EHMT1):c.1661C>G (p.Thr554Arg)

Gene: EHMT1 (euchromatic histone lysine methyltransferase 1; plus strand). Cytogenetic location: 9q34.3.
Variant type: single nucleotide variant.
Coding change: c.1661C>G on transcript NM_024757.5 (MANE Select); coding-DNA position 1661, C replaced by G.
Protein change: p.Thr554Arg; replaces threonine 554 with arginine.
Molecular consequence: missense variant.
Genome position (GRCh38, 1-based): chr9:137,775,122, C>G. VCF-style: chr9-137775122-C-G. GRCh37 (hg19) VCF-style: chr9-140669574-C-G.
Other names: c.1661C>G, p.Thr554Arg (NM_001145527.2); c.1568C>G, p.Thr523Arg (NM_001354259.2); c.1640C>G, p.Thr547Arg (NM_001354263.2); short protein forms T554R, T523R, T547R.
Identifiers: ClinVar variation 2695309 (VCV002695309.3), dbSNP rs372688489, ClinGen allele CA375773291.
Genomic context (GRCh38, chr9:137,775,122, plus strand): 5'-GGCCTCTCGTGACTCTGACATTGACCACCAGTCTTGTCTGATTGCAGTTGGGCCGGTGCA[C>G]AAACAGCGTGGTCAAGTATGAGCTGATGCGCCCCTCCAACAAGGCCCCGCTCCTCGTGCT-3'
Protein context (NP_079033.4, residues 544-564): ESVDHELGRC[Thr554Arg]NSVVKYELMR

ClinVar aggregate classification (germline): Uncertain significance (1 of 4 stars; one submission).

Conditions:
Kleefstra syndrome 1 (KLEFS1). Identifiers: Orphanet 261494, MedGen C0795833, MONDO:0027407, OMIM 610253.

Submission:

Labcorp Genetics (formerly Invitae), Labcorp
Classification: Uncertain significance for Kleefstra syndrome 1. Last evaluated: 2023-11-12. Review status: criteria provided, single submitter. Criteria: Invitae Variant Classification Sherloc (09022015). Collection method: clinical testing. Allele origin: germline.
Comment: This sequence change replaces threonine, which is neutral and polar, with arginine, which is basic and polar, at codon 554 of the EHMT1 protein (p.Thr554Arg). This variant is not present in population databases (gnomAD no frequency). This variant has not been reported in the literature in individuals affected with EHMT1-related conditions. Advanced modeling of protein sequence and biophysical properties (such as structural, functional, and spatial information, amino acid conservation, physicochemical variation, residue mobility, and thermodynamic stability) performed at Invitae indicates that this missense variant is not expected to disrupt EHMT1 protein function with a negative predictive value of 80%. In summary, the available evidence is currently insufficient to determine the role of this variant in disease. Therefore, it has been classified as a Variant of Uncertain Significance.